The following is an entry in ClinVar:

ClinVar aggregate classification (germline): Uncertain significance (1 of 4 stars; one submission).

Conditions:
Very long chain acyl-CoA dehydrogenase deficiency (ACADVLD). Also called: Very Long-Chain Acyl-Coenzyme A Dehydrogenase Deficiency; VLCAD Deficiency. Identifiers: Orphanet 26793, MedGen C3887523, MONDO:0008723, OMIM 201475.

Submission:

Wong Mito Lab, Molecular and Human Genetics, Baylor College of Medicine
Classification: Uncertain significance for Very long chain acyl-CoA dehydrogenase deficiency. Last evaluated: 2019-11-01. Review status: criteria provided, single submitter. Criteria: ACMG Guidelines, 2015. Collection method: clinical testing. Allele origin: germline.
Comment: The NM_000018.3:c.1708G>T (NP_000009.1:p.Asp570Tyr) [GRCH38: NC_000017.11:g.7224671G>T] variant in ACADVL gene is interpretated to be Uncertain Significance based on ACMG guidelines (PMID: 25741868). This variant has been reported. This variant meets the following evidence codes reported in the ACMG guidelines: PP3

NM_000018.4(ACADVL):c.1708G>T (p.Asp570Tyr)

Gene: ACADVL (acyl-CoA dehydrogenase very long chain; plus strand). Cytogenetic location: 17p13.1.
Variant type: single nucleotide variant.
Coding change: c.1708G>T on transcript NM_000018.4 (MANE Select); coding-DNA position 1708, G replaced by T.
Protein change: p.Asp570Tyr; replaces aspartic acid 570 with tyrosine.
Molecular consequence: missense variant.
Genome position (GRCh38, 1-based): chr17:7,224,671, G>T. VCF-style: chr17-7224671-G-T. GRCh37 (hg19) VCF-style: chr17-7127990-G-T.
Other names: c.1642G>T, p.Asp548Tyr (NM_001033859.3); c.1777G>T, p.Asp593Tyr (NM_001270447.2); c.1480G>T, p.Asp494Tyr (NM_001270448.2); short protein forms D494Y, D593Y, D548Y, D570Y.
Identifiers: ClinVar variation 932814 (VCV000932814.2), dbSNP rs2071394443, ClinGen allele CA397725704.